The following is an entry in ClinVar:

NM_006514.4(SCN10A):c.4783A>G (p.Thr1595Ala)

Gene: SCN10A (sodium voltage-gated channel alpha subunit 10; minus strand). Cytogenetic location: 3p22.2.
Variant type: single nucleotide variant.
Coding change: c.4783A>G on transcript NM_006514.4 (MANE Select); coding-DNA position 4783, A replaced by G.
Protein change: p.Thr1595Ala; replaces threonine 1595 with alanine.
Molecular consequence: missense variant.
Genome position (GRCh38, 1-based): chr3:38,698,437, T>C on the plus strand (A>G on the coding strand, the complement: SCN10A is on the minus strand). VCF-style: chr3-38698437-T-C. GRCh37 (hg19) VCF-style: chr3-38739928-T-C.
Other names: c.4780A>G, p.Thr1594Ala (NM_001293306.2); c.4489A>G, p.Thr1497Ala (NM_001293307.2); short protein forms T1595A, T1497A, T1594A.
Identifiers: ClinVar variation 854530 (VCV000854530.9), dbSNP rs747919920, ClinGen allele CA2319807.

ClinVar aggregate classification (germline): Uncertain significance. Review status: criteria provided, multiple submitters, no conflicts (2 of 4 stars). 3 submissions from 3 submitters: Uncertain significance (2). 1 of the submissions does not count toward it. Last evaluated 2025-11-05.

Conditions:
SCN10A-related disorder. Also called: SCN10A-related condition.
Brugada syndrome. Also called: Sudden Unexplained Death Syndrome; Sudden Unexplained Nocturnal Death Syndrome (SUNDS); Sudden unexpected nocturnal death syndrome; Sudden unexplained nocturnal death syndrome. Identifiers: Orphanet 130, MedGen C1142166, MONDO:0015263.
Cardiovascular phenotype. Identifiers: MedGen CN230736.

Allele frequency attached by ClinVar (database versions not stated): gnomAD 0.00001; gnomAD exomes 0.00001; ExAC 0.00002; TOPMed 0.00002.
gnomAD v4.1: 22 of 1,614,016 alleles (0.0014%); highest among the groups gnomAD compares: Non-Finnish European, 0.0018%; no homozygotes.

Submissions (3):

Labcorp Genetics (formerly Invitae), Labcorp
Classification: Uncertain significance for Brugada syndrome. Last evaluated: 2025-11-05. Review status: criteria provided, single submitter. Criteria: Invitae Variant Classification Sherloc (09022015). Collection method: clinical testing. Allele origin: germline.
Comment: This sequence change replaces threonine, which is neutral and polar, with alanine, which is neutral and non-polar, at codon 1595 of the SCN10A protein (p.Thr1595Ala). This variant is present in population databases (rs747919920, gnomAD 0.003%). This variant has not been reported in the literature in individuals affected with SCN10A-related conditions. ClinVar contains an entry for this variant (Variation ID: 854530). Invitae Evidence Modeling of protein sequence and biophysical properties (such as structural, functional, and spatial information, amino acid conservation, physicochemical variation, residue mobility, and thermodynamic stability) indicates that this missense variant is expected to disrupt SCN10A protein function with a positive predictive value of 80%. In summary, the available evidence is currently insufficient to determine the role of this variant in disease. Therefore, it has been classified as a Variant of Uncertain Significance.

Ambry Genetics
Classification: Uncertain significance for Cardiovascular phenotype. Last evaluated: 2024-08-16. Review status: criteria provided, single submitter. Criteria: Ambry Variant Classification Scheme 2023. Collection method: clinical testing. Allele origin: germline.
Comment: The p.T1595A variant (also known as c.4783A>G), located in coding exon 27 of the SCN10A gene, results from an A to G substitution at nucleotide position 4783. The threonine at codon 1595 is replaced by alanine, an amino acid with similar properties. This amino acid position is highly conserved in available vertebrate species. In addition, this alteration is predicted to be deleterious by in silico analysis. Since supporting evidence is limited at this time, the clinical significance of this alteration remains unclear.

PreventionGenetics, part of Exact Sciences
Classification: Uncertain significance for SCN10A-related condition. Last evaluated: 2023-12-04. Review status: no assertion criteria provided. Collection method: clinical testing. Allele origin: germline. Not counted in ClinVar's aggregate classification.
Comment: The SCN10A c.4783A>G variant is predicted to result in the amino acid substitution p.Thr1595Ala. To our knowledge, this variant has not been reported in the literature. This variant is reported in 0.0026% of alleles in individuals of European (Non-Finnish) descent in gnomAD. At this time, the clinical significance of this variant is uncertain due to the absence of conclusive functional and genetic evidence.